The following is an entry in ClinVar:

NM_022124.6(CDH23):c.4180G>A (p.Gly1394Ser)

Genes: C10orf105 (chromosome 10 open reading frame 105; minus strand), CDH23 (cadherin related 23; plus strand). Cytogenetic location: 10q22.1.
Variant type: single nucleotide variant.
Coding change: c.4180G>A on transcript NM_022124.6 (MANE Select); coding-DNA position 4180, G replaced by A.
Protein change: p.Gly1394Ser; replaces glycine 1394 with serine.
Molecular consequence: missense variant. On other transcripts: intron variant (1).
Genome position (GRCh38, 1-based): chr10:71,734,315, G>A. VCF-style: chr10-71734315-G-A. GRCh37 (hg19) VCF-style: chr10-73494072-G-A.
Other names: c.-6+3413C>T (NM_001168390.2); short protein forms G1394S.
Identifiers: ClinVar variation 2136883 (VCV002136883.2), dbSNP rs758181864, ClinGen allele CA5544933.
Genomic context (GRCh38, chr10:71,734,315, plus strand): 5'-CAGGGCCTGGTGGACCGTGAGAAGGGCGACTTCTATACCTTGACAGTGGTGGCAGATGAC[G>A]GCGGCCCCAAGGTGGACTCCACCGTGGTGAGTGGGACCAGGGTGAGAGTCCCTCAGGTGC-3'
Protein context (NP_071407.4, residues 1384-1404): FYTLTVVADD[Gly1394Ser]GPKVDSTVKV

ClinVar aggregate classification (germline): Uncertain significance. Review status: criteria provided, multiple submitters, no conflicts (2 of 4 stars). 2 submissions from 2 submitters: Uncertain significance (2). Last evaluated 2024-04-08.

Allele frequency attached by ClinVar (database versions not stated): gnomAD 0.00001; ExAC 0.00002; TOPMed 0.00004; gnomAD exomes 0.00007.
gnomAD v4.1: 104 of 1,611,148 alleles (0.0065%); highest among the groups gnomAD compares: South Asian, 0.0088%; no homozygotes.

Submissions (2):

Blueprint Genetics
Classification: Uncertain significance. Last evaluated: 2024-04-08. Review status: criteria provided, single submitter. Criteria: ACMG Guidelines, 2015. Collection method: clinical testing. Allele origin: germline.

Labcorp Genetics (formerly Invitae), Labcorp
Classification: Uncertain significance. Last evaluated: 2021-08-24. Review status: criteria provided, single submitter. Criteria: Invitae Variant Classification Sherloc (09022015). Collection method: clinical testing. Allele origin: germline.
Comment: This sequence change replaces glycine with serine at codon 1394 of the CDH23 protein (p.Gly1394Ser). The glycine residue is highly conserved and there is a small physicochemical difference between glycine and serine. This variant is present in population databases (rs758181864, ExAC 0.008%). This variant has not been reported in the literature in individuals affected with CDH23-related conditions. Algorithms developed to predict the effect of missense changes on protein structure and function are either unavailable or do not agree on the potential impact of this missense change (SIFT: "Deleterious"; PolyPhen-2: "Not Available"; Align-GVGD: "Class C55"). In summary, the available evidence is currently insufficient to determine the role of this variant in disease. Therefore, it has been classified as a Variant of Uncertain Significance.